The following is an entry in ClinVar:

ClinVar aggregate classification (germline): Uncertain significance (1 of 4 stars; one submission).

Submission:

GeneDx
Classification: Uncertain significance. Last evaluated: 2025-01-28. Review status: criteria provided, single submitter. Criteria: GeneDx Variant Classification Process June 2021. Collection method: clinical testing. Allele origin: germline. Affected: yes.
Comment: Not observed at significant frequency in large population cohorts (gnomAD); In silico analysis indicates that this missense variant does not alter protein structure/function; Has not been previously published as pathogenic or benign to our knowledge

NM_005121.3(MED13):c.4129G>C (p.Glu1377Gln)

Gene: MED13 (mediator complex subunit 13; minus strand). Cytogenetic location: 17q23.2.
Variant type: single nucleotide variant.
Coding change: c.4129G>C on transcript NM_005121.3 (MANE Select); coding-DNA position 4129, G replaced by C.
Protein change: p.Glu1377Gln; replaces glutamic acid 1377 with glutamine.
Molecular consequence: missense variant.
Genome position (GRCh38, 1-based): chr17:61,968,097, C>G on the plus strand (G>C on the coding strand, the complement: MED13 is on the minus strand). VCF-style: chr17-61968097-C-G. GRCh37 (hg19) VCF-style: chr17-60045458-C-G.
Other names: short protein forms E1377Q.
Identifiers: ClinVar variation 4071927 (VCV004071927.1).